The following is an entry in ClinVar:

NM_001101362.3(KBTBD13):c.1075G>A (p.Gly359Arg)

Gene: KBTBD13 (kelch repeat and BTB domain containing 13; plus strand). Cytogenetic location: 15q22.31.
Variant type: single nucleotide variant.
Coding change: c.1075G>A on transcript NM_001101362.3 (MANE Select); coding-DNA position 1075, G replaced by A.
Protein change: p.Gly359Arg; replaces glycine 359 with arginine.
Molecular consequence: missense variant.
Genome position (GRCh38, 1-based): chr15:65,077,890, G>A. VCF-style: chr15-65077890-G-A. GRCh37 (hg19) VCF-style: chr15-65370228-G-A.
Other names: short protein forms G359R.
Identifiers: ClinVar variation 3635146 (VCV003635146.2).

ClinVar aggregate classification (germline): Uncertain significance (1 of 4 stars; one submission).

Conditions:
Nemaline myopathy 6 (NEM6). Also called: Nemaline myopathy 6, autosomal dominant. Identifiers: Orphanet 171439, MedGen C1836472, MONDO:0012237, OMIM 609273.

Submission:

Labcorp Genetics (formerly Invitae), Labcorp
Classification: Uncertain significance for Nemaline myopathy 6. Last evaluated: 2025-02-05. Review status: criteria provided, single submitter. Criteria: Invitae Variant Classification Sherloc (09022015). Collection method: clinical testing. Allele origin: germline.
Comment: This sequence change replaces glycine, which is neutral and non-polar, with arginine, which is basic and polar, at codon 359 of the KBTBD13 protein (p.Gly359Arg). This variant is present in population databases (no rsID available, gnomAD 0.0009%). This variant has not been reported in the literature in individuals affected with KBTBD13-related conditions. Invitae Evidence Modeling of protein sequence and biophysical properties (such as structural, functional, and spatial information, amino acid conservation, physicochemical variation, residue mobility, and thermodynamic stability) indicates that this missense variant is not expected to disrupt KBTBD13 protein function with a negative predictive value of 80%. In summary, the available evidence is currently insufficient to determine the role of this variant in disease. Therefore, it has been classified as a Variant of Uncertain Significance.